The following is an entry in ClinVar:

ClinVar aggregate classification (germline): Uncertain significance (1 of 4 stars; one submission).

Conditions:
Hypercholesterolemia, autosomal dominant, 3 (FHCL3). Also called: Familial Hypercholesterolemia, Autosomal Dominant, 3; PCSK9-Related Familial Hypercholesterolemia, Autosomal Dominant; Familial hypercholesterolemia 3. Identifiers: MedGen C1863551, MONDO:0011369, OMIM 603776.

Submission:

Labcorp Genetics (formerly Invitae), Labcorp
Classification: Uncertain significance for Hypercholesterolemia, autosomal dominant, 3. Last evaluated: 2022-07-05. Review status: criteria provided, single submitter. Criteria: Invitae Variant Classification Sherloc (09022015). Collection method: clinical testing. Allele origin: germline.
Comment: In summary, the available evidence is currently insufficient to determine the role of this variant in disease. Therefore, it has been classified as a Variant of Uncertain Significance. Advanced modeling of protein sequence and biophysical properties (such as structural, functional, and spatial information, amino acid conservation, physicochemical variation, residue mobility, and thermodynamic stability) performed at Invitae indicates that this missense variant is not expected to disrupt PCSK9 protein function. ClinVar contains an entry for this variant (Variation ID: 843634). This variant has not been reported in the literature in individuals affected with PCSK9-related conditions. This variant is not present in population databases (gnomAD no frequency). This sequence change replaces histidine, which is basic and polar, with asparagine, which is neutral and polar, at codon 613 of the PCSK9 protein (p.His613Asn).

NM_174936.4(PCSK9):c.1837C>A (p.His613Asn)

Gene: PCSK9 (proprotein convertase subtilisin/kexin type 9; plus strand). Cytogenetic location: 1p32.3.
Variant type: single nucleotide variant.
Coding change: c.1837C>A on transcript NM_174936.4 (MANE Select); coding-DNA position 1837, C replaced by A.
Protein change: p.His613Asn; replaces histidine 613 with asparagine.
Molecular consequence: missense variant.
Genome position (GRCh38, 1-based): chr1:55,061,530, C>A. VCF-style: chr1-55061530-C-A. GRCh37 (hg19) VCF-style: chr1-55527203-C-A.
Other names: c.1960C>A, p.His654Asn (NM_001407240.1); c.1879C>A, p.His627Asn (NM_001407241.1); c.1840C>A, p.His614Asn (NM_001407242.1); c.1780C>A, p.His594Asn (NM_001407243.1); c.1663C>A, p.His555Asn (NM_001407244.1); c.1645C>A, p.His549Asn (NM_001407245.1); c.1462C>A, p.His488Asn (NM_001407246.1); c.1336C>A, p.His446Asn (NM_001407247.1); short protein forms H613N, H549N, H627N, H446N, H594N, H614N, H654N, H488N.
Identifiers: ClinVar variation 843634 (VCV000843634.9), dbSNP rs1644758908, ClinGen allele CA340480478.
Genomic context (GRCh38, chr1:55,061,530, plus strand): 5'-GAGGCCAGCATCCACGCTTCCTGCTGCCATGCCCCAGGTCTGGAATGCAAAGTCAAGGAG[C>A]ATGGAATCCCGGCCCCTCAGGAGCAGGTGAAGAGGCCCGTGAGGCCGGGTGGGTGGGGTG-3'
Protein context (NP_777596.2, residues 603-623): APGLECKVKE[His613Asn]GIPAPQEQVT